The following is an entry in ClinVar:

ClinVar aggregate classification (germline): Uncertain significance. Review status: criteria provided, multiple submitters, no conflicts (2 of 4 stars). 3 submissions from 3 submitters: Uncertain significance (3). Last evaluated 2024-09-27.

Conditions:
Hereditary nonpolyposis colorectal neoplasms. Identifiers: MedGen C0009405, MeSH D003123.
Hereditary cancer-predisposing syndrome. Also called: Hereditary Cancer Syndrome; Neoplastic Syndromes, Hereditary; Tumor predisposition; Hereditary neoplastic syndrome. Identifiers: Orphanet 140162, MedGen C0027672, MeSH D009386, MONDO:0015356.

Allele frequency attached by ClinVar (database versions not stated): TOPMed below 0.00001.

Submissions (3):

Labcorp Genetics (formerly Invitae), Labcorp
Classification: Uncertain significance for Hereditary nonpolyposis colorectal neoplasms. Last evaluated: 2024-09-27. Review status: criteria provided, single submitter. Criteria: Invitae Variant Classification Sherloc (09022015). Collection method: clinical testing. Allele origin: germline.
Comment: This sequence change replaces arginine, which is basic and polar, with glycine, which is neutral and non-polar, at codon 174 of the MSH6 protein (p.Arg174Gly). This variant is not present in population databases (gnomAD no frequency). This variant has not been reported in the literature in individuals affected with MSH6-related conditions. ClinVar contains an entry for this variant (Variation ID: 490022). Invitae Evidence Modeling of protein sequence and biophysical properties (such as structural, functional, and spatial information, amino acid conservation, physicochemical variation, residue mobility, and thermodynamic stability) indicates that this missense variant is not expected to disrupt MSH6 protein function with a negative predictive value of 95%. In summary, the available evidence is currently insufficient to determine the role of this variant in disease. Therefore, it has been classified as a Variant of Uncertain Significance.

Color Diagnostics, LLC DBA Color Health
Classification: Uncertain significance for Hereditary cancer-predisposing syndrome. Last evaluated: 2023-12-05. Review status: criteria provided, single submitter. Criteria: ACMG Guidelines, 2015. Collection method: clinical testing. Allele origin: germline.
Comment: This missense variant replaces arginine with glycine at codon 174 of the MSH6 protein. Computational prediction suggests that this variant may not impact protein structure and function (internally defined REVEL score threshold <= 0.5, PMID: 27666373). To our knowledge, functional studies have not been reported for this variant. This variant has not been reported in individuals affected with MSH6-related disorders in the literature. This variant has not been identified in the general population by the Genome Aggregation Database (gnomAD). The available evidence is insufficient to determine the role of this variant in disease conclusively. Therefore, this variant is classified as a Variant of Uncertain Significance.

Ambry Genetics
Classification: Uncertain significance for Hereditary cancer-predisposing syndrome. Last evaluated: 2023-07-22. Review status: criteria provided, single submitter. Criteria: Ambry Variant Classification Scheme 2023. Collection method: clinical testing. Allele origin: germline.
Comment: The p.R174G variant (also known as c.520A>G), located in coding exon 3 of the MSH6 gene, results from an A to G substitution at nucleotide position 520. The arginine at codon 174 is replaced by glycine, an amino acid with dissimilar properties. This amino acid position is well conserved in available vertebrate species. In addition, this alteration is predicted to be tolerated by in silico analysis. Since supporting evidence is limited at this time, the clinical significance of this alteration remains unclear.

NM_000179.3(MSH6):c.520A>G (p.Arg174Gly)

Gene: MSH6 (mutS homolog 6; plus strand). Cytogenetic location: 2p16.3.
Variant type: single nucleotide variant.
Coding change: c.520A>G on transcript NM_000179.3 (MANE Select); coding-DNA position 520, A replaced by G.
Protein change: p.Arg174Gly; replaces arginine 174 with glycine.
Molecular consequence: missense variant. On other transcripts: 5 prime UTR variant (1), intron variant (2).
Genome position (GRCh38, 1-based): chr2:47,795,956, A>G. VCF-style: chr2-47795956-A-G. GRCh37 (hg19) VCF-style: chr2-48023095-A-G.
Other names: c.-383A>G (NM_001281494.2); c.-279-2655A>G (NM_001281493.2); c.238-2655A>G (NM_001281492.2); short protein forms R174G.
Identifiers: ClinVar variation 490022 (VCV000490022.16), dbSNP rs1405000889, ClinGen allele CA346738682.
Genomic context (GRCh38, chr2:47,795,956, plus strand): 5'-TCAAAATCAAAGGAAGCCCAGAAGGGAGGTCATTTTTACAGTGCAAAGCCTGAAATACTG[A>G]GAGCAATGCAACGTGCAGATGAAGCCTTAAATAAAGACAAGATTAAGAGGCTTGAATTGG-3'
Protein context (NP_000170.1, residues 164-184): HFYSAKPEIL[Arg174Gly]AMQRADEALN